The following is an entry in ClinVar:

ClinVar aggregate classification (germline): Likely benign (1 of 4 stars; one submission).

Conditions:
BBS5-related disorder. Also called: BBS5-related condition.

gnomAD v4.1: 4 of 1,613,680 alleles (0.00025%); highest among the groups gnomAD compares: African/African-American, 0.004%; no homozygotes.

Submission:

PreventionGenetics, part of Exact Sciences
Classification: Likely benign for BBS5-related condition. Last evaluated: 2024-10-14. Review status: criteria provided, single submitter. Criteria: ACMG Guidelines, 2015. Collection method: clinical testing. Allele origin: germline.
Comment: This variant is classified as likely benign based on ACMG/AMP sequence variant interpretation guidelines (Richards et al. 2015 PMID: 25741868, with internal and published modifications).

NM_152384.3(BBS5):c.756A>C (p.Ser252=)

Gene: BBS5 (Bardet-Biedl syndrome 5; plus strand). Cytogenetic location: 2q31.1.
Variant type: single nucleotide variant.
Coding change: c.756A>C on transcript NM_152384.3 (MANE Select); coding-DNA position 756, A replaced by C.
Protein change: p.Ser252=; no amino-acid change (serine 252 retained).
Molecular consequence: synonymous variant.
Genome position (GRCh38, 1-based): chr2:169,499,560, A>C. VCF-style: chr2-169499560-A-C. GRCh37 (hg19) VCF-style: chr2-170356070-A-C.
Identifiers: ClinVar variation 5002170 (VCV005002170.1).